The following is an entry in ClinVar:

ClinVar aggregate classification (germline): Uncertain significance. Review status: criteria provided, multiple submitters, no conflicts (2 of 4 stars). 3 submissions from 3 submitters: Uncertain significance (3). Last evaluated 2023-11-15.

Conditions:
IMAGe syndrome. Also called: Intrauterine growth retardation, metaphyseal dysplasia, adrenal hypoplasia congenita, and genital anomalies; Intrauterine Growth Restriction, Metaphyseal Dysplasia, Adrenal Hypoplasia Congenita, and Genital Anomalies. Identifiers: Orphanet 85173, MedGen C1846009, MONDO:0013873, OMIM 614732.
Beckwith-Wiedemann syndrome (BWS). Also called: Exomphalos macroglossia gigantism syndrome; EMG SYNDROME. Identifiers: Orphanet 116, MedGen C0004903, MONDO:0007534, OMIM 130650.

Allele frequency attached by ClinVar (database versions not stated): gnomAD exomes 0.00001; TOPMed 0.00001.
gnomAD v4.1: 2 of 1,505,050 alleles (0.00013%); highest among the groups gnomAD compares: Admixed American, 0.002%; no homozygotes.

Submissions (3):

Labcorp Genetics (formerly Invitae), Labcorp
Classification: Uncertain significance for Beckwith-Wiedemann syndrome. Last evaluated: 2023-11-15. Review status: criteria provided, single submitter. Criteria: Invitae Variant Classification Sherloc (09022015). Collection method: clinical testing. Allele origin: germline.
Comment: This sequence change replaces alanine, which is neutral and non-polar, with glycine, which is neutral and non-polar, at codon 257 of the CDKN1C protein (p.Ala257Gly). The frequency data for this variant in the population databases is considered unreliable, as metrics indicate poor data quality at this position in the gnomAD database. This variant has not been reported in the literature in individuals affected with CDKN1C-related conditions. ClinVar contains an entry for this variant (Variation ID: 236975). Advanced modeling of protein sequence and biophysical properties (such as structural, functional, and spatial information, amino acid conservation, physicochemical variation, residue mobility, and thermodynamic stability) performed at Invitae indicates that this missense variant is not expected to disrupt CDKN1C protein function with a negative predictive value of 80%. In summary, the available evidence is currently insufficient to determine the role of this variant in disease. Therefore, it has been classified as a Variant of Uncertain Significance.

Baylor Genetics
Classification: Uncertain significance for Beckwith-Wiedemann syndrome. Last evaluated: 2023-06-05. Review status: criteria provided, single submitter. Criteria: ACMG Guidelines, 2015. Collection method: clinical testing. Allele origin: unknown.

Fulgent Genetics
Classification: Uncertain significance for Beckwith-Wiedemann syndrome; IMAGe syndrome. Last evaluated: 2022-05-03. Review status: criteria provided, single submitter. Criteria: ACMG Guidelines, 2015. Collection method: clinical testing. Allele origin: unknown.

NM_001122630.2(CDKN1C):c.737C>G (p.Ala246Gly)

Gene: CDKN1C (cyclin dependent kinase inhibitor 1C; minus strand). Cytogenetic location: 11p15.4.
Variant type: single nucleotide variant.
Coding change: c.737C>G on transcript NM_001122630.2 (MANE Select); coding-DNA position 737, C replaced by G.
Protein change: p.Ala246Gly; replaces alanine 246 with glycine.
Molecular consequence: missense variant. On other transcripts: intron variant (1).
Genome position (GRCh38, 1-based): chr11:2,884,720, G>C on the plus strand (C>G on the coding strand, the complement: CDKN1C is on the minus strand). VCF-style: chr11-2884720-G-C. GRCh37 (hg19) VCF-style: chr11-2905950-G-C.
Other names: c.770C>G, p.Ala257Gly (LRG_533t1, NM_000076.2, NM_001362474.2); c.737C>G, p.Ala246Gly (NM_001122631.2); c.255+482C>G (NM_001362475.2); short protein forms A257G, A246G.
Identifiers: ClinVar variation 236975 (VCV000236975.13), dbSNP rs878853642, ClinGen allele CA10582888.
Genomic context (GRCh38, chr11:2,884,720, plus strand): 5'-CGGGGCTCACCGGAGATCAGAGGCCCGGACAGCTTCTTGATCGCCGCGCCGTTGGCGCTG[G>C]CGGCCGCGGTGCCGGCCGCGGGACGTCCCGAAATCCCCGAGTGCAGCTGGTCAGCGAGAG-3'
Protein context (NP_001116102.1, residues 236-256): SGRPAAGTAA[Ala246Gly]SANGAAIKKL